The following is an entry in ClinVar:

NM_153704.6(TMEM67):c.1030C>T (p.Leu344Phe)

Gene: TMEM67 (transmembrane protein 67; plus strand). Cytogenetic location: 8q22.1.
Variant type: single nucleotide variant.
Coding change: c.1030C>T on transcript NM_153704.6 (MANE Select); coding-DNA position 1030, C replaced by T.
Protein change: p.Leu344Phe; replaces leucine 344 with phenylalanine.
Molecular consequence: missense variant. On other transcripts: non-coding transcript variant (1).
Genome position (GRCh38, 1-based): chr8:93,781,709, C>T. VCF-style: chr8-93781709-C-T. GRCh37 (hg19) VCF-style: chr8-94793937-C-T.
Other names: c.787C>T, p.Leu263Phe (NM_001142301.1); c.1030C>T (NM_153704.5); short protein forms L263F, L344F.
Identifiers: ClinVar variation 1425303 (VCV001425303.9), dbSNP rs2130668790, ClinGen allele CA371688941.

ClinVar aggregate classification (germline): Uncertain significance. Review status: criteria provided, multiple submitters, no conflicts (2 of 4 stars). 2 submissions from 2 submitters: Uncertain significance (2). Last evaluated 2022-08-25.

Conditions:
TMEM67-related disorder. Also called: TMEM67-related disorders; TMEM67-related condition. Identifiers: MedGen CN239423.
Joubert syndrome. Also called: Familial aplasia of the vermis; JOUBERT-BOLTSHAUSER SYNDROME. Identifiers: Orphanet 475, MedGen C5979921, MONDO:0018772.
Meckel-Gruber syndrome. Also called: Dysencephalia splachnocystica; DYSENCEPHALIA SPLANCHNOCYSTICA; GRUBER SYNDROME. Identifiers: Orphanet 564, MedGen C0265215, MONDO:0018921.

Allele frequency attached by ClinVar (database versions not stated): gnomAD exomes below 0.00001.
gnomAD v4.1: 1 of 1,610,502 alleles (0.000062%); highest among the groups gnomAD compares: African/African-American, 0.0013%; no homozygotes.

Submissions (2):

PreventionGenetics, part of Exact Sciences
Classification: Uncertain significance for TMEM67-related condition. Last evaluated: 2022-08-25. Review status: criteria provided, single submitter. Criteria: ACMG Guidelines, 2015. Collection method: clinical testing. Allele origin: germline.
Comment: The TMEM67 c.1030C>T variant is predicted to result in the amino acid substitution p.Leu344Phe. To our knowledge, this variant has not been reported in the literature or in a large population database, indicating this variant is rare. At this time, the clinical significance of this variant is uncertain due to the absence of conclusive functional and genetic evidence.

Labcorp Genetics (formerly Invitae), Labcorp
Classification: Uncertain significance for Joubert syndrome; Meckel-Gruber syndrome. Last evaluated: 2021-06-03. Review status: criteria provided, single submitter. Criteria: Invitae Variant Classification Sherloc (09022015). Collection method: clinical testing. Allele origin: germline.
Comment: This variant is not present in population databases (ExAC no frequency). This variant has not been reported in the literature in individuals with TMEM67-related conditions. Advanced modeling of protein sequence and biophysical properties (such as structural, functional, and spatial information, amino acid conservation, physicochemical variation, residue mobility, and thermodynamic stability) performed at Invitae indicates that this missense variant is expected to disrupt TMEM67 protein function. In summary, the available evidence is currently insufficient to determine the role of this variant in disease. Therefore, it has been classified as a Variant of Uncertain Significance. This sequence change replaces leucine with phenylalanine at codon 344 of the TMEM67 protein (p.Leu344Phe). The leucine residue is weakly conserved and there is a small physicochemical difference between leucine and phenylalanine.